The following is an entry in ClinVar:

NM_003105.6(SORL1):c.528+3290T>C

Gene: SORL1 (sortilin related receptor 1; plus strand). Cytogenetic location: 11q24.1.
Variant type: single nucleotide variant.
Coding change: c.528+3290T>C on transcript NM_003105.6 (MANE Select); 3290 bases into the intron after coding-DNA position 528, T replaced by C.
Molecular consequence: intron variant.
Genome position (GRCh38, 1-based): chr11:121,481,533, T>C. VCF-style: chr11-121481533-T-C. GRCh37 (hg19) VCF-style: chr11-121352242-T-C.
Identifiers: ClinVar variation 2642475 (VCV002642475.24), dbSNP rs75350621, ClinGen allele CA229963970.

ClinVar aggregate classification (germline): Benign (1 of 4 stars; one submission).

Allele frequency attached by ClinVar (database versions not stated): gnomAD 0.00143.
gnomAD v4.1: 79 of 53,474 alleles (0.15%); highest among the groups gnomAD compares: South Asian, 0.23%; no homozygotes.

Submission:

CeGaT Center for Human Genetics Tuebingen
Classification: Benign. Last evaluated: 2022-10-01. Review status: criteria provided, single submitter. Criteria: CeGaT Center For Human Genetics Tuebingen Variant Classification Criteria Version 2. Collection method: clinical testing. Allele origin: germline. Affected: yes. Observed: 2 variant alleles.
Comment: SORL1: BS1, BS2